The following is an entry in ClinVar:

ClinVar aggregate classification (germline): Pathogenic. Review status: criteria provided, multiple submitters, no conflicts (2 of 4 stars). 3 submissions from 3 submitters: Pathogenic (3). Last evaluated 2025-08-18.

Conditions:
Familial cancer of breast. Also called: hereditary breast carcinoma; BREAST CANCER, FAMILIAL; Hereditary breast cancer. Identifiers: Orphanet 227535, MedGen C0346153, MONDO:0016419, OMIM 114480. Disease mechanism: loss of function.
Fanconi anemia complementation group J. Also called: BRIP1-Related Fanconi Anemia. Identifiers: Orphanet 84, MedGen C1836860, MONDO:0012187, OMIM 609054.

Submissions (3):

Labcorp Genetics (formerly Invitae), Labcorp
Classification: Pathogenic for Familial cancer of breast; Fanconi anemia complementation group J. Last evaluated: 2025-08-18. Review status: criteria provided, single submitter. Criteria: Invitae Variant Classification Sherloc (09022015). Collection method: clinical testing. Allele origin: germline.
Comment: This sequence change creates a premature translational stop signal (p.Ile10Metfs*4) in the BRIP1 gene. It is expected to result in an absent or disrupted protein product. Loss-of-function variants in BRIP1 are known to be pathogenic (PMID: 16116423, 17033622, 21964575). This variant is not present in population databases (gnomAD no frequency). This variant has not been reported in the literature in individuals affected with BRIP1-related conditions. ClinVar contains an entry for this variant (Variation ID: 584978). For these reasons, this variant has been classified as Pathogenic.

Myriad Genetics, Inc.
Classification: Pathogenic for Familial cancer of breast. Last evaluated: 2023-05-30. Review status: criteria provided, single submitter. Criteria: Myriad Autosomal Dominant, Autosomal Recessive and X-Linked Classification Criteria (2023). Collection method: clinical testing. Allele origin: unknown.
Comment: This variant is considered pathogenic. This variant creates a frameshift predicted to result in premature protein truncation.

Mendelics
Classification: Pathogenic for Familial cancer of breast. Last evaluated: 2019-05-28. Review status: criteria provided, single submitter. Criteria: Mendelics Assertion Criteria 2017. Collection method: clinical testing. Allele origin: unknown.

Literature cited by the submitters: PubMed 16116423 (cited by Labcorp Genetics (formerly Invitae), Labcorp); PubMed 17033622 (cited by Labcorp Genetics (formerly Invitae), Labcorp); PubMed 21964575 (cited by Labcorp Genetics (formerly Invitae), Labcorp).

NM_032043.3(BRIP1):c.30del (p.Ile10fs)

Gene: BRIP1 (BRCA1 interacting DNA helicase 1; minus strand). Cytogenetic location: 17q23.2.
Variant type: Deletion.
Coding change: c.30del on transcript NM_032043.3 (MANE Select); coding-DNA position 30, one base deleted (T; older notation c.30delT).
Protein change: p.Ile10fs; shifts the reading frame from isoleucine 10.
Molecular consequence: frameshift variant.
Genome position (GRCh38, 1-based): chr17:61,861,510, A deleted on the plus strand (T on the coding strand, the reverse complement: BRIP1 is on the minus strand); the first of 2 consecutive A bases (chr17:61,861,510-61,861,511); deleting either gives the same sequence. VCF-style (leftmost placement, unchanged base first): chr17-61861509-CA-C. GRCh37 (hg19) VCF-style: chr17-59938870-CA-C.
Other names: short protein forms I10fs.
Identifiers: ClinVar variation 584978 (VCV000584978.9), dbSNP rs1567878234, ClinGen allele CA891844436.